The following continues an entry in ClinVar:

NM_000531.6(OTC):c.540+265G>A

Gene: OTC. ClinVar aggregate classification (germline): Pathogenic. Pathogenic (1).

Submissions 9 to 15 of 15:

Color Diagnostics, LLC DBA Color Health
Classification: Pathogenic for Ornithine carbamoyltransferase deficiency. Last evaluated: 2023-03-08. Review status: criteria provided, single submitter. Criteria: ACMG Guidelines, 2015. Collection method: clinical testing. Allele origin: germline. Not counted in ClinVar's aggregate classification.
Comment: This variant causes a G to A nucleotide substitution at the +265 position of intron 5 of the OTC gene. This variant has been reported in three male neonates clinically diagnosed with OTC deficiency (PMID: 18204299, 18440262, 34014569), as well as in seven females affected with late-onset OTC deficiency (PMID: 33489762) and episodic OTC deficiency (PMID: 34014569). This variant has not been identified in the general population by the Genome Aggregation Database (gnomAD). RT-PCR analyses of patient-derived RNA have shown that a new splice acceptor site created by this variant is paired with a cryptic splice donor site located 135 nucleotides downstream, resulting in the inclusion of the 135-nucleotide intronic sequence between exons 5 and 6 of the OTC transcript with a premature stop of translation at codon 184 (PMID: 18204299, 18440262). This variant is expected to result in an absent or nonfunctional protein product. Loss of OTC function is a known mechanism of disease. Based on the available evidence, this variant is classified as Pathogenic.

Mendelics
Classification: Pathogenic for Ornithine carbamoyltransferase deficiency. Last evaluated: 2022-05-04. Review status: criteria provided, single submitter. Criteria: Mendelics Assertion Criteria 2019. Collection method: clinical testing. Allele origin: germline. Not counted in ClinVar's aggregate classification.

GeneDx
Classification: Pathogenic. Last evaluated: 2022-03-22. Review status: criteria provided, single submitter. Criteria: GeneDx Variant Classification Process June 2021. Collection method: clinical testing. Allele origin: germline. Affected: yes. Not counted in ClinVar's aggregate classification.
Comment: Non-canonical splice site variant demonstrated to result in loss of normal function through nonsense-mediated mRNA decay (Ogino et al. 2007; Engel et al. 2008); No data available from control populations to assess the frequency of this variant; This variant is associated with the following publications: (PMID: 18440262, 34014569, 19823873, 28771251, 33272297, 33489762, 18204299)

MGZ Medical Genetics Center
Classification: Pathogenic for Ornithine carbamoyltransferase deficiency. Last evaluated: 2021-11-09. Review status: criteria provided, single submitter. Criteria: ACMG Guidelines, 2015. Collection method: clinical testing. Allele origin: germline. Affected: yes. Observed: 1 variant allele. Not counted in ClinVar's aggregate classification.
Comment: ACMG criteria applied: PS3, PS4_MOD, PM6, PM2_SUP, PP4

Centre for Mendelian Genomics, University Medical Centre Ljubljana
Classification: Pathogenic for Abnormal circulating ornithine concentration; Hyperammonemia; Protein avoidance. Last evaluated: 2017-01-01. Review status: criteria provided, single submitter. Criteria: ACMG Guidelines, 2015. Collection method: clinical testing. Allele origin: unknown. Affected: yes. Not counted in ClinVar's aggregate classification.

Centre for Mendelian Genomics, University Medical Centre Ljubljana
Classification: Pathogenic for Ornithine carbamoyltransferase deficiency. Last evaluated: 2016-01-01. Review status: criteria provided, single submitter. Criteria: ACMG Guidelines, 2015. Collection method: clinical testing. Allele origin: unknown. Affected: yes. Not counted in ClinVar's aggregate classification.
Comment: This variant was classified as: Pathogenic.

Natera, Inc.
Classification: Pathogenic for Ornithine transcarbamylase deficiency. Last evaluated: 2020-09-16. Review status: no assertion criteria provided. Collection method: clinical testing. Allele origin: germline. Not counted in ClinVar's aggregate classification.

Literature cited by the submitters: PubMed 40102887 (cited by Dasa); PubMed 34014569 (cited by 3 submitters); PubMed 33489762 (cited by 4 submitters); PubMed 18440262 (cited by 4 submitters); PubMed 18204299 (cited by 3 submitters).